The following is an entry in ClinVar:

NM_000748.3(CHRNB2):c.329A>C (p.Lys110Thr)

Gene: CHRNB2 (cholinergic receptor nicotinic beta 2 subunit; plus strand). Cytogenetic location: 1q21.3.
Variant type: single nucleotide variant.
Coding change: c.329A>C on transcript NM_000748.3 (MANE Select); coding-DNA position 329, A replaced by C.
Protein change: p.Lys110Thr; replaces lysine 110 with threonine.
Molecular consequence: missense variant.
Genome position (GRCh38, 1-based): chr1:154,570,331, A>C. VCF-style: chr1-154570331-A-C. GRCh37 (hg19) VCF-style: chr1-154542807-A-C.
Other names: p.K110T:AAA>ACA; short protein forms K110T.
Identifiers: ClinVar variation 205066 (VCV000205066.39), dbSNP rs199885651, ClinGen allele CA313649.
Genomic context (GRCh38, chr1:154,570,331, plus strand): 5'-ATCGCCTCACCTGGAAGCCTGAAGAGTTTGACAACATGAAGAAAGTTCGGCTCCCTTCCA[A>C]ACACATCTGGCTCCCAGATGTGGTCCTGTACAACAAGTAGGTGCAATGGGAAGGTTGGGG-3'
Protein context (NP_000739.1, residues 100-120): DNMKKVRLPS[Lys110Thr]HIWLPDVVLY

ClinVar aggregate classification (germline): Conflicting classifications of pathogenicity. Review status: criteria provided, conflicting classifications (1 of 4 stars). 7 submissions from 7 submitters: Uncertain significance (6); Likely benign (1). Last evaluated 2025-07-24.

Conditions:
Familial sleep-related hypermotor epilepsy. Also called: Autosomal Dominant Sleep-Related Hypermotor (Hyperkinetic) Epilepsy. Identifiers: Orphanet 98784, MedGen C3696898, MONDO:0000030.
Inborn genetic diseases. Identifiers: MedGen C0950123, MeSH D030342.
Autosomal dominant nocturnal frontal lobe epilepsy 3. Also called: CHRNB2-Related Nocturnal Frontal Lobe Epilepsy, Autosomal Dominant. Identifiers: Orphanet 98784, MedGen C1854335, MONDO:0011545, OMIM 605375.
Microcephaly. Also called: Microcephaly (disease). Identifiers: MedGen C4551563, MONDO:0001149, HP:0000252.
Seizure. Also called: Seizures. Identifiers: MedGen C0036572, HP:0001250.
Deeply set eye. Also called: sunken eyes; Deep-set eyes. Identifiers: MedGen C0423224, HP:0000490.

Allele frequency attached by ClinVar (database versions not stated): gnomAD 0.00001 and 0.00002; gnomAD exomes 0.00001 and 0.00003; ExAC 0.00002; TOPMed 0.00003.

Submissions (7):

Women's Health and Genetics/Laboratory Corporation of America, LabCorp
Classification: Uncertain significance. Last evaluated: 2025-07-24. Review status: criteria provided, single submitter. Criteria: LabCorp Variant Classification Summary - May 2015. Collection method: clinical testing. Allele origin: germline.
Comment: Variant summary: CHRNB2 c.329A>C (p.Lys110Thr) results in a non-conservative amino acid change in the encoded protein sequence. Algorithms developed to predict the effect of missense changes on protein structure and function are either unavailable or do not agree on the potential impact of this missense change. The variant allele was found at a frequency of 2.8e-05 in 248274 control chromosomes, predominantly at a frequency of 6.2e-05 within the Non-Finnish European subpopulation in the gnomAD database. The available data on variant occurrences in the general population are insufficient to allow any conclusion about variant significance. To our knowledge, no occurrence of c.329A>C in individuals affected with Autosomal Dominant Nocturnal Frontal Lobe Epilepsy 3 and no experimental evidence demonstrating its impact on protein function have been reported. ClinVar contains an entry for this variant (Variation ID: 205066). Based on the evidence outlined above, the variant was classified as uncertain significance.

Labcorp Genetics (formerly Invitae), Labcorp
Classification: Uncertain significance. Last evaluated: 2025-03-09. Review status: criteria provided, single submitter. Criteria: Invitae Variant Classification Sherloc (09022015). Collection method: clinical testing. Allele origin: germline.
Comment: This sequence change replaces lysine, which is basic and polar, with threonine, which is neutral and polar, at codon 110 of the CHRNB2 protein (p.Lys110Thr). This variant is present in population databases (rs199885651, gnomAD 0.005%). This variant has not been reported in the literature in individuals affected with CHRNB2-related conditions. ClinVar contains an entry for this variant (Variation ID: 205066). Invitae Evidence Modeling of protein sequence and biophysical properties (such as structural, functional, and spatial information, amino acid conservation, physicochemical variation, residue mobility, and thermodynamic stability) indicates that this missense variant is not expected to disrupt CHRNB2 protein function with a negative predictive value of 80%. In summary, the available evidence is currently insufficient to determine the role of this variant in disease. Therefore, it has been classified as a Variant of Uncertain Significance.

CeGaT Center for Human Genetics Tuebingen
Classification: Uncertain significance. Last evaluated: 2023-03-01. Review status: criteria provided, single submitter. Criteria: CeGaT Center For Human Genetics Tuebingen Variant Classification Criteria Version 2. Collection method: clinical testing. Allele origin: germline. Affected: yes. Observed: 1 variant allele.
Comment: CHRNB2: PP2

Ambry Genetics
Classification: Likely benign for Inborn genetic diseases. Last evaluated: 2021-12-20. Review status: criteria provided, single submitter. Criteria: Ambry Variant Classification Scheme 2023. Collection method: clinical testing. Allele origin: germline.

GeneDx
Classification: Uncertain significance. Last evaluated: 2020-11-03. Review status: criteria provided, single submitter. Criteria: GeneDx Variant Classification Process June 2021. Collection method: clinical testing. Allele origin: germline. Affected: yes.
Comment: In silico analysis supports that this missense variant has a deleterious effect on protein structure/function; Has not been previously published as pathogenic or benign to our knowledge

Institute of Human Genetics, University of Leipzig Medical Center
Classification: Uncertain significance for Autosomal dominant nocturnal frontal lobe epilepsy 3. Last evaluated: 2019-01-01. Review status: criteria provided, single submitter. Criteria: ACMG Guidelines, 2015. Collection method: clinical testing. Allele origin: unknown. Affected: yes.

Center of Genomic medicine, Geneva, University Hospital of Geneva
Classification: Uncertain significance for Seizure; Microcephaly; Deeply set eye. Last evaluated: 2016-02-23. Review status: criteria provided, single submitter. Criteria: ACMG Guidelines, 2015. Collection method: clinical testing. Allele origin: maternal. Affected: yes.